The following is an entry in ClinVar:

ClinVar aggregate classification (germline): Uncertain significance. Review status: criteria provided, multiple submitters, no conflicts (2 of 4 stars). 4 submissions from 4 submitters: Uncertain significance (3). 1 of the submissions does not count toward it. Last evaluated 2025-11-06.

Conditions:
Schimke immuno-osseous dysplasia (SIOD). Also called: Schimke Immunoosseous Dysplasia. Identifiers: Orphanet 1830, MedGen C0877024, MONDO:0009458, OMIM 242900.

Allele frequency attached by ClinVar (database versions not stated): gnomAD 0.00001.

Submissions (4):

Labcorp Genetics (formerly Invitae), Labcorp
Classification: Uncertain significance for Schimke immuno-osseous dysplasia. Last evaluated: 2025-11-06. Review status: criteria provided, single submitter. Criteria: Invitae Variant Classification Sherloc (09022015). Collection method: clinical testing. Allele origin: germline.
Comment: This sequence change replaces arginine, which is basic and polar, with histidine, which is basic and polar, at codon 518 of the SMARCAL1 protein (p.Arg518His). This variant is present in population databases (rs774075396, gnomAD 0.007%). This variant has not been reported in the literature in individuals affected with SMARCAL1-related conditions. ClinVar contains an entry for this variant (Variation ID: 652929). Invitae Evidence Modeling of protein sequence and biophysical properties (such as structural, functional, and spatial information, amino acid conservation, physicochemical variation, residue mobility, and thermodynamic stability) indicates that this missense variant is not expected to disrupt SMARCAL1 protein function with a negative predictive value of 80%. In summary, the available evidence is currently insufficient to determine the role of this variant in disease. Therefore, it has been classified as a Variant of Uncertain Significance.

Blueprint Genetics
Classification: Uncertain significance. Last evaluated: 2024-06-12. Review status: criteria provided, single submitter. Criteria: ACMG Guidelines, 2015. Collection method: clinical testing. Allele origin: germline.

Fulgent Genetics
Classification: Uncertain significance for Schimke immuno-osseous dysplasia. Last evaluated: 2021-11-13. Review status: criteria provided, single submitter. Criteria: ACMG Guidelines, 2015. Collection method: clinical testing. Allele origin: unknown.

Natera, Inc.
Classification: Uncertain significance for Schimke immuno-osseous dysplasia. Last evaluated: 2020-09-04. Review status: no assertion criteria provided. Collection method: clinical testing. Allele origin: germline. Not counted in ClinVar's aggregate classification.

NM_014140.4(SMARCAL1):c.1553G>A (p.Arg518His)

Gene: SMARCAL1 (SNF2 related chromatin remodeling annealing helicase 1; plus strand). Cytogenetic location: 2q35.
Variant type: single nucleotide variant.
Coding change: c.1553G>A on transcript NM_014140.4 (MANE Select); coding-DNA position 1553, G replaced by A.
Protein change: p.Arg518His; replaces arginine 518 with histidine.
Molecular consequence: missense variant.
Genome position (GRCh38, 1-based): chr2:216,435,405, G>A. VCF-style: chr2-216435405-G-A. GRCh37 (hg19) VCF-style: chr2-217300128-G-A.
Other names: c.1553G>A, p.Arg518His (NM_001127207.2); short protein forms R518H.
Identifiers: ClinVar variation 652929 (VCV000652929.9), dbSNP rs774075396, ClinGen allele CA2097921.